The following is an entry in ClinVar:

ClinVar aggregate classification (germline): Uncertain significance (1 of 4 stars; one submission).

Conditions:
MEGF8-related Carpenter syndrome. Also called: Carpenter syndrome 2. Identifiers: Orphanet 65759, MedGen C3554247, MONDO:0013998, OMIM 614976.

Submission:

Labcorp Genetics (formerly Invitae), Labcorp
Classification: Uncertain significance for MEGF8-related Carpenter syndrome. Last evaluated: 2022-08-19. Review status: criteria provided, single submitter. Criteria: Invitae Variant Classification Sherloc (09022015). Collection method: clinical testing. Allele origin: germline.
Comment: This sequence change replaces glutamine, which is neutral and polar, with histidine, which is basic and polar, at codon 741 of the MEGF8 protein (p.Gln741His). This variant is not present in population databases (gnomAD no frequency). This variant has not been reported in the literature in individuals affected with MEGF8-related conditions. Algorithms developed to predict the effect of missense changes on protein structure and function are either unavailable or do not agree on the potential impact of this missense change (SIFT: "Deleterious"; PolyPhen-2: "Possibly Damaging"; Align-GVGD: "Class C0"). In summary, the available evidence is currently insufficient to determine the role of this variant in disease. Therefore, it has been classified as a Variant of Uncertain Significance.

NM_001271938.2(MEGF8):c.2424G>C (p.Gln808His)

Gene: MEGF8 (multiple EGF like domains 8; plus strand). Cytogenetic location: 19q13.2.
Variant type: single nucleotide variant.
Coding change: c.2424G>C on transcript NM_001271938.2 (MANE Select); coding-DNA position 2424, G replaced by C.
Protein change: p.Gln808His; replaces glutamine 808 with histidine.
Molecular consequence: missense variant.
Genome position (GRCh38, 1-based): chr19:42,349,624, G>C. VCF-style: chr19-42349624-G-C. GRCh37 (hg19) VCF-style: chr19-42853776-G-C.
Other names: c.2223G>C, p.Gln741His (NM_001410.3); short protein forms Q741H, Q808H.
Identifiers: ClinVar variation 1716936 (VCV001716936.5), dbSNP rs2514287128, ClinGen allele CA406096483.
Genomic context (GRCh38, chr19:42,349,624, plus strand): 5'-TGCTCGCCTCTTCCCTCTGCCTGGGCGGGACCACAAGTATGCAGTAGAGATCCAGGGCCA[G>C]CTCAATGGCTCGGCAGGCCCTGGGCACAGCGAGCTAACTCTGCTGTGGGATCGGACTGGT-3'
Protein context (NP_001258867.1, residues 798-818): DHKYAVEIQG[Gln808His]LNGSAGPGHS